The following is an entry in ClinVar:

NM_002863.5(PYGL):c.2209C>T (p.Pro737Ser)

Gene: PYGL (glycogen phosphorylase L; minus strand). Cytogenetic location: 14q22.1.
Variant type: single nucleotide variant.
Coding change: c.2209C>T on transcript NM_002863.5 (MANE Select); coding-DNA position 2209, C replaced by T.
Protein change: p.Pro737Ser; replaces proline 737 with serine.
Molecular consequence: missense variant.
Genome position (GRCh38, 1-based): chr14:50,908,924, G>A on the plus strand (C>T on the coding strand, the complement: PYGL is on the minus strand). VCF-style: chr14-50908924-G-A. GRCh37 (hg19) VCF-style: chr14-51375642-G-A.
Other names: c.2107C>T, p.Pro703Ser (NM_001163940.2); short protein forms P737S, P703S.
Identifiers: ClinVar variation 638850 (VCV000638850.8), dbSNP rs759925909, ClinGen allele CA7183174.

ClinVar aggregate classification (germline): Uncertain significance (1 of 4 stars; one submission).

Conditions:
Glycogen storage disease, type VI (GSD6). Also called: Glycogen storage disease type 6; Hepatic glycogen phosphorylase deficiency; Glycogen storage disease type 6, due to phosphorylation; GSD VI; HERS DISEASE; PHOSPHORYLASE DEFICIENCY GLYCOGEN-STORAGE DISEASE OF LIVER. Identifiers: Orphanet 369, MedGen C0017925, MONDO:0009294, OMIM 232700.

Allele frequency attached by ClinVar (database versions not stated): gnomAD below 0.00001 and 0.00001; ExAC 0.00006.
gnomAD v4.1: 69 of 1,501,268 alleles (0.0046%); highest among the groups gnomAD compares: South Asian, 0.074%; 2 homozygotes.

Submission:

Labcorp Genetics (formerly Invitae), Labcorp
Classification: Uncertain significance for Glycogen storage disease, type VI. Last evaluated: 2018-10-31. Review status: criteria provided, single submitter. Criteria: Invitae Variant Classification Sherloc (09022015). Collection method: clinical testing. Allele origin: germline.
Comment: In summary, the available evidence is currently insufficient to determine the role of this variant in disease. Therefore, it has been classified as a Variant of Uncertain Significance. Algorithms developed to predict the effect of missense changes on protein structure and function are either unavailable or do not agree on the potential impact of this missense change (SIFT: "Deleterious"; PolyPhen-2: "Benign"; Align-GVGD: "Class C65"). This variant has not been reported in the literature in individuals with PYGL-related disease. This variant is present in population databases (rs759925909, ExAC 0.03%). This sequence change replaces proline with serine at codon 737 of the PYGL protein (p.Pro737Ser). The proline residue is highly conserved and there is a moderate physicochemical difference between proline and serine.